The following is an entry in ClinVar:

ClinVar aggregate classification (germline): Uncertain significance (1 of 4 stars; one submission).

Conditions:
Hypertrophic cardiomyopathy. Also called: HYPERTROPHIC MYOCARDIOPATHY. Identifiers: Orphanet 217569, MedGen C0007194, MeSH D002312, MONDO:0005045, HP:0001639.

Submission:

Labcorp Genetics (formerly Invitae), Labcorp
Classification: Uncertain significance for Hypertrophic cardiomyopathy. Last evaluated: 2022-07-05. Review status: criteria provided, single submitter. Criteria: Invitae Variant Classification Sherloc (09022015). Collection method: clinical testing. Allele origin: germline.
Comment: In summary, the available evidence is currently insufficient to determine the role of this variant in disease. Therefore, it has been classified as a Variant of Uncertain Significance. Algorithms developed to predict the effect of missense changes on protein structure and function are either unavailable or do not agree on the potential impact of this missense change (SIFT: "Deleterious"; PolyPhen-2: "Probably Damaging"; Align-GVGD: "Class C0"). This variant has not been reported in the literature in individuals affected with MYH7-related conditions. This variant is not present in population databases (gnomAD no frequency). This sequence change replaces leucine, which is neutral and non-polar, with proline, which is neutral and non-polar, at codon 1716 of the MYH7 protein (p.Leu1716Pro).

NM_000257.4(MYH7):c.5147T>C (p.Leu1716Pro)

Genes: MHRT (myosin heavy chain associated RNA transcript; plus strand), MYH7 (myosin heavy chain 7; minus strand), LOC126861897 (BRD4-independent group 4 enhancer GRCh37_chr14:23884455-23885654; plus strand). Cytogenetic location: 14q11.2.
Variant type: single nucleotide variant.
Coding change: c.5147T>C on transcript NM_000257.4 (MANE Select); coding-DNA position 5147, T replaced by C.
Protein change: p.Leu1716Pro; replaces leucine 1716 with proline.
Molecular consequence: missense variant. On other transcripts: non-coding transcript variant (1).
Genome position (GRCh38, 1-based): chr14:23,415,639, A>G on the plus strand (T>C on the coding strand, the complement: MYH7 is on the minus strand). VCF-style: chr14-23415639-A-G. GRCh37 (hg19) VCF-style: chr14-23884848-A-G.
Other names: c.5147T>C, p.Leu1716Pro (NM_001407004.1); short protein forms L1716P.
Identifiers: ClinVar variation 2043211 (VCV002043211.4), dbSNP rs2502242161, ClinGen allele CA389036870.